The following is an entry in ClinVar:

ClinVar aggregate classification (germline): Uncertain significance (1 of 4 stars; one submission).

Conditions:
Congenital glucose-galactose malabsorption (GGM). Also called: MONOSACCHARIDE MALABSORPTION; DIARRHEA 16. Identifiers: Orphanet 35710, MedGen C0268186, MONDO:0011731, OMIM 606824.

Submission:

Labcorp Genetics (formerly Invitae), Labcorp
Classification: Uncertain significance for Congenital glucose-galactose malabsorption. Last evaluated: 2022-10-03. Review status: criteria provided, single submitter. Criteria: Invitae Variant Classification Sherloc (09022015). Collection method: clinical testing. Allele origin: germline.
Comment: In summary, the available evidence is currently insufficient to determine the role of this variant in disease. Therefore, it has been classified as a Variant of Uncertain Significance. Advanced modeling of protein sequence and biophysical properties (such as structural, functional, and spatial information, amino acid conservation, physicochemical variation, residue mobility, and thermodynamic stability) performed at Invitae indicates that this missense variant is not expected to disrupt SLC5A1 protein function. This variant has not been reported in the literature in individuals affected with SLC5A1-related conditions. This variant is not present in population databases (gnomAD no frequency). This sequence change replaces alanine, which is neutral and non-polar, with threonine, which is neutral and polar, at codon 93 of the SLC5A1 protein (p.Ala93Thr).

NM_000343.4(SLC5A1):c.277G>A (p.Ala93Thr)

Gene: SLC5A1 (solute carrier family 5 member 1; plus strand). Cytogenetic location: 22q12.3.
Variant type: single nucleotide variant.
Coding change: c.277G>A on transcript NM_000343.4 (MANE Select); coding-DNA position 277, G replaced by A.
Protein change: p.Ala93Thr; replaces alanine 93 with threonine.
Molecular consequence: missense variant. On other transcripts: 5 prime UTR variant (1).
Genome position (GRCh38, 1-based): chr22:32,067,004, G>A. VCF-style: chr22-32067004-G-A. GRCh37 (hg19) VCF-style: chr22-32462991-G-A.
Other names: c.-105G>A (NM_001256314.2); short protein forms A93T.
Identifiers: ClinVar variation 1715201 (VCV001715201.5), dbSNP rs2517648910, ClinGen allele CA411314120.